The following is an entry in ClinVar:

NM_002427.4(MMP13):c.974C>A (p.Ser325Ter)

Gene: MMP13 (matrix metallopeptidase 13; minus strand). Cytogenetic location: 11q22.2.
Variant type: single nucleotide variant.
Coding change: c.974C>A on transcript NM_002427.4 (MANE Select); coding-DNA position 974, C replaced by A.
Protein change: p.Ser325Ter; replaces serine 325 with a stop codon.
Molecular consequence: nonsense.
Genome position (GRCh38, 1-based): chr11:102,949,102, G>T on the plus strand (C>A on the coding strand, the complement: MMP13 is on the minus strand). VCF-style: chr11-102949102-G-T. GRCh37 (hg19) VCF-style: chr11-102819831-G-T.
Other names: short protein forms S325*.
Identifiers: ClinVar variation 1383389 (VCV001383389.6), dbSNP rs2134516943, ClinGen allele CA382227792.

ClinVar aggregate classification (germline): Pathogenic (1 of 4 stars; one submission).

Submission:

Labcorp Genetics (formerly Invitae), Labcorp
Classification: Pathogenic. Last evaluated: 2022-06-20. Review status: criteria provided, single submitter. Criteria: Invitae Variant Classification Sherloc (09022015). Collection method: clinical testing. Allele origin: germline.
Comment: This sequence change creates a premature translational stop signal (p.Ser325*) in the MMP13 gene. It is expected to result in an absent or disrupted protein product. Loss-of-function variants in MMP13 are known to be pathogenic (PMID: 24781753, 31413057). This variant is not present in population databases (gnomAD no frequency). This variant has not been reported in the literature in individuals affected with MMP13-related conditions. For these reasons, this variant has been classified as Pathogenic.

Literature cited by the submitters: PubMed 24781753; PubMed 31413057.